The following is an entry in ClinVar:

NM_001130009.3(GEN1):c.1810A>G (p.Asn604Asp)

Gene: GEN1 (GEN1 structure-specific endonuclease; plus strand). Cytogenetic location: 2p24.2.
Variant type: single nucleotide variant.
Coding change: c.1810A>G on transcript NM_001130009.3 (MANE Select); coding-DNA position 1810, A replaced by G.
Protein change: p.Asn604Asp; replaces asparagine 604 with aspartic acid.
Molecular consequence: missense variant.
Genome position (GRCh38, 1-based): chr2:17,781,022, A>G. VCF-style: chr2-17781022-A-G. GRCh37 (hg19) VCF-style: chr2-17962289-A-G.
Other names: c.1810A>G, p.Asn604Asp (NM_182625.5); short protein forms N604D.
Identifiers: ClinVar variation 3021474 (VCV003021474.3), dbSNP rs2545628447, ClinGen allele CA345926674.

ClinVar aggregate classification (germline): Uncertain significance (1 of 4 stars; one submission).

Submission:

Labcorp Genetics (formerly Invitae), Labcorp
Classification: Uncertain significance. Last evaluated: 2022-11-29. Review status: criteria provided, single submitter. Criteria: Invitae Variant Classification Sherloc (09022015). Collection method: clinical testing. Allele origin: germline.
Comment: This sequence change replaces asparagine, which is neutral and polar, with aspartic acid, which is acidic and polar, at codon 604 of the GEN1 protein (p.Asn604Asp). This variant is not present in population databases (gnomAD no frequency). This variant has not been reported in the literature in individuals affected with GEN1-related conditions. Algorithms developed to predict the effect of missense changes on protein structure and function (SIFT, PolyPhen-2, Align-GVGD) all suggest that this variant is likely to be tolerated. In summary, the available evidence is currently insufficient to determine the role of this variant in disease. Therefore, it has been classified as a Variant of Uncertain Significance.